The following is an entry in ClinVar:

ClinVar aggregate classification (germline): Pathogenic (1 of 4 stars; one submission).

Submission:

Foulkes Cancer Genetics LDI, Lady Davis Institute for Medical Research
Classification: Pathogenic. Last evaluated: 2019-07-01. Review status: criteria provided, single submitter. Criteria: ACMG Guidelines, 2015. Collection method: curation. Allele origin: somatic. Affected: yes. Observed: 1 variant allele.
Comment: ACMG criteria met: PVS1, PM1, PM2

Literature cited by the submitters: PubMed 26099045.

NM_177438.3(DICER1):c.1127_1152del (p.Lys376fs)

Gene: DICER1 (dicer 1, ribonuclease III; minus strand). Cytogenetic location: 14q32.13.
Variant type: Deletion.
Coding change: c.1127_1152del on transcript NM_177438.3 (MANE Select); coding-DNA positions 1127 to 1152, 26 bases deleted (AAGTAATCAAACTGCTCGAAATCTTA).
Protein change: p.Lys376fs; shifts the reading frame from lysine 376.
Molecular consequence: frameshift variant.
Genome position (GRCh38, 1-based): chr14:95,124,420-95,124,445, TAAGATTTCGAGCAGTTTGATTACTT deleted on the plus strand (AAGTAATCAAACTGCTCGAAATCTTA on the coding strand, the reverse complement: DICER1 is on the minus strand); deleting any 26 consecutive bases within chr14:95,124,420-95,124,447 gives the same sequence; the c. name uses the placement nearest the transcript's 3' end. VCF-style (leftmost placement, unchanged base first): chr14-95124419-GTAAGATTTCGAGCAGTTTGATTACTT-G. GRCh37 (hg19) VCF-style: chr14-95590756-GTAAGATTTCGAGCAGTTTGATTACTT-G.
Other names: c.1127_1152del, p.Lys376fs (NM_001195573.1, NM_001271282.3, NM_001291628.2 and 1 more transcripts); short protein forms K376fs.
Identifiers: ClinVar variation 933044 (VCV000933044.2), dbSNP rs1893215622, ClinGen allele CA1139663730.
Genomic context (GRCh38, chr14:95,124,419, plus strand): 5'-TTCTATTATTATACCACTCAACGCTTTCAAACTGCTGTCGCTCATATGGTTTATATTTGC[GTAAGATTTCGAGCAGTTTGATTACTT>G]TAGGAGTTACAAATTTCAGGTCAAGTGAGGCAGGTGAGAAGTGCTCTTCACATAGTGCAT-3'